The following is an entry in ClinVar:

ClinVar aggregate classification (germline): Conflicting classifications of pathogenicity. Review status: criteria provided, conflicting classifications (1 of 4 stars). 12 submissions from 11 submitters: Pathogenic (3); Likely pathogenic (5); Uncertain significance (3). 1 of the submissions does not count toward it. Last evaluated 2026-06-22.

Conditions:
Bronchiectasis with or without elevated sweat chloride 1 (BESC1). Also called: Cystic Fibrosis-Like Syndrome. Identifiers: Orphanet 60033, MedGen C2749757, MONDO:0008887, OMIM 211400.
Hereditary pancreatitis (PCTT). Also called: PRSS1-Related Hereditary Pancreatitis; Hereditary chronic pancreatitis. Identifiers: Orphanet 676, MedGen C0238339, MONDO:0008185, OMIM 167800.
Congenital bilateral aplasia of vas deferens from CFTR mutation (CBAVD). Identifiers: Orphanet 48, MedGen C0403814, MONDO:0010178, OMIM 277180. Disease mechanism: loss of function.
Cystic fibrosis (CF). Also called: MUCOVISCIDOSIS. Identifiers: Orphanet 586, MedGen C0010674, MONDO:0009061, OMIM 219700. Disease mechanism: loss of function.
CFTR-related disorder (CFTR-RD). Also called: CFTR-related disorders; CFTR-related condition. Identifiers: MedGen C5924204, MONDO:7770004.

Allele frequency attached by ClinVar (database versions not stated): TOPMed 0.00002; gnomAD 0.00003 and 0.00004; gnomAD exomes 0.00002 and 0.00001.
gnomAD v4.1: 39 of 1,607,876 alleles (0.0024%); highest among the groups gnomAD compares: Non-Finnish European, 0.003%; no homozygotes.

Submissions (12):

Ambry Genetics
Classification: Uncertain significance for Cystic fibrosis. Last evaluated: 2026-06-22. Review status: criteria provided, single submitter. Criteria: Ambry Variant Classification Scheme 2023. Collection method: clinical testing. Allele origin: germline.
Comment: The p.M265R variant (also known as c.794T>G), located in coding exon 7 of the CFTR gene, results from a T to G substitution at nucleotide position 794. The methionine at codon 265 is replaced by arginine, an amino acid with similar properties. In an assay testing CFTR function, this variant showed a functionally abnormal result (Bihler H et al. J Cyst Fibros, 2024 Jul;23:664-675). This amino acid position is not well conserved in available vertebrate species. In addition, this alteration is predicted to be deleterious by in silico analysis. Based on the available evidence, the clinical significance of this variant remains unclear.

Labcorp Genetics (formerly Invitae), Labcorp
Classification: Pathogenic for Cystic fibrosis. Last evaluated: 2025-11-18. Review status: criteria provided, single submitter. Criteria: Invitae Variant Classification Sherloc (09022015). Collection method: clinical testing. Allele origin: germline.
Comment: This sequence change replaces methionine, which is neutral and non-polar, with arginine, which is basic and polar, at codon 265 of the CFTR protein (p.Met265Arg). This variant is present in population databases (rs148519623, gnomAD 0.003%). This missense change has been observed in individual(s) with congenital bilateral absence of the vas deferens as well as recurrent upper respiratory infections and pancreatitis (PMID: 9272157, 12900515, 30888834; internal data). In at least one individual the data is consistent with being in trans (on the opposite chromosome) from a pathogenic variant. ClinVar contains an entry for this variant (Variation ID: 54058). Invitae Evidence Modeling of protein sequence and biophysical properties (such as structural, functional, and spatial information, amino acid conservation, physicochemical variation, residue mobility, and thermodynamic stability) indicates that this missense variant is not expected to disrupt CFTR protein function with a negative predictive value of 80%. Experimental studies have shown that this missense change affects CFTR function (PMID: 23666117, 29805046). For these reasons, this variant has been classified as Pathogenic.

Natera, Inc.
Classification: Likely pathogenic for CFTR-related disorders. Last evaluated: 2025-10-29. Review status: criteria provided, single submitter. Criteria: Natera Variant Classification Schema (03/2026). Collection method: clinical testing. Allele origin: germline.
Comment: The c.794T>G variant in CFTR is a missense variant predicted to cause substitution of methionine to arginine at amino acid 265. This variant is rare in the general population with a frequency below the threshold expected for the associated phenotype(s). This variant has been observed in one or more individuals affected with the associated recessive disease, as either homozygous or compound heterozygous with a second variant (PMID: 30888834). Functional studies show that this variant may disrupt protein function (PMID: 29805046). Computational prediction algorithms indicate this variant is likely to affect gene or protein function. Given the available evidence, this variant is classified as Likely Pathogenic.

Women's Health and Genetics/Laboratory Corporation of America, LabCorp
Classification: Likely pathogenic for Cystic fibrosis. Last evaluated: 2025-07-29. Review status: criteria provided, single submitter. Criteria: LabCorp Variant Classification Summary - May 2015. Collection method: clinical testing. Allele origin: germline.
Comment: Variant summary: CFTR c.794T>G (p.Met265Arg) results in a non-conservative amino acid change located in the ABC transporter type 1, transmembrane domain (IPR011527) of the encoded protein sequence. Algorithms developed to predict the effect of missense changes on protein structure and function all suggest that this variant is likely to be disruptive. The variant allele was found at a frequency of 1.2e-05 in 245598 control chromosomes. 794T>G has been reported as a compound heterozygous genotype with p.F508del in multiple individuals affected with features resembling Non-Classic Cystic Fibrosis ranging from CBAVD (example, Dork_1997, Goossens_2000), to pancreatic insufficiency and intermediate levels of sweat chloride (example, McCague_2019). As of now, there are multiple patients with this variant in the CFTR2 database and it was annotated as a variant with varying clinical consequences, i.e. some patients with this variant, combined with another CF-causing variant, have CF, while other patients do not have CF. Because of this variability, it is very important that clinical criteria alone be used to determine whether a person with this variant has CF. These data indicate that the variant is likely to be associated with disease. At least three publications report experimental evidence evaluating an impact on protein function. The most pronounced variant effect resulted in approximately 6.38% of normal chloride channel conductance relative to wild type (e.g., Okiyoneda_2013, Raraigh_2018, Bihler_2024). The following publications have been ascertained in the context of this evaluation (PMID: 9272157, 17440499, 10913957, 12900515, 25735457, 26708955, 26471113, 23666117, 29805046, 30888834, 36207272, 38388235). ClinVar contains an entry for this variant (Variation ID: 54058). Based on the evidence outlined above, the variant was classified as likely pathogenic.

Fulgent Genetics
Classification: Likely pathogenic for Hereditary pancreatitis; Bronchiectasis with or without elevated sweat chloride 1; Cystic fibrosis; Congenital bilateral aplasia of vas deferens from CFTR mutation. Last evaluated: 2024-04-30. Review status: criteria provided, single submitter. Criteria: ACMG Guidelines, 2015. Collection method: clinical testing. Allele origin: germline.

ARUP Laboratories, Molecular Genetics and Genomics, ARUP Laboratories
Classification: Pathogenic for Cystic fibrosis; Bronchiectasis with or without elevated sweat chloride 1; Hereditary pancreatitis; Congenital bilateral aplasia of vas deferens from CFTR mutation. Last evaluated: 2024-04-15. Review status: criteria provided, single submitter. Criteria: ARUP Molecular Germline Variant Investigation Process 2024. Collection method: clinical testing. Allele origin: germline.
Comment: The CFTR c.794T>G; p.Met265Arg variant (rs148519623) reported is reported in the literature in a newborn with meconium ileus (SickKids CFTR database) and in individuals with congenital bilateral absence of vas deferens or pancreatitis (Dork 1997, Goossens 2000). At least three affected individuals were also observed to carry the pathogenic p.Phe508del variant (SickKids CFTR database, Dork 1997, Goossens 2000). The p.Met265Arg variant is also reported in seven individuals in the CFTR2 database (see link) that also carried a second pathogenic variant, of whom the majority were pancreatic-insufficient. The p.Met265Arg variant is found on only four chromosomes in the Genome Aggregation Database, indicating it is not a common polymorphism. In functional assays, the variant protein exhibits only 19% of wildtype CFTR chloride channel activity (Raraigh 2018). Based on available information, this variant is considered to be pathogenic for varying clinical consequences. References: CFTR2 database: SickKids CFTR database: Dork T et al. Distinct spectrum of CFTR gene mutations in congenital absence of vas deferens. Hum Genet. 1997; 100(3-4):365-77. PMID: 9272157 Goossens V et al. Clinical application of preimplantation genetic diagnosis for cystic fibrosis. Prenat Diagn. 2000 Jul;20(7):571-81. PMID: 10913957 Raraigh KS et al. Functional Assays Are Essential for Interpretation of Missense Variants Associated with Variable Expressivity. Am J Hum Genet. 2018 Jun 7;102(6):1062-1077. PMID: 29805046

Blueprint Genetics
Classification: Uncertain significance. Last evaluated: 2024-03-27. Review status: criteria provided, single submitter. Criteria: ACMG Guidelines, 2015. Collection method: clinical testing. Allele origin: germline.

Baylor Genetics
Classification: Likely pathogenic for Bronchiectasis with or without elevated sweat chloride 1. Last evaluated: 2023-11-27. Review status: criteria provided, single submitter. Criteria: ACMG Guidelines, 2015. Collection method: clinical testing. Allele origin: unknown.

Quest Diagnostics Nichols Institute San Juan Capistrano
Classification: Uncertain significance. Last evaluated: 2023-05-24. Review status: criteria provided, single submitter. Criteria: Quest Diagnostics criteria. Collection method: clinical testing. Allele origin: unknown.
Comment: This variant has also been reported to have varying clinical consequence, with reduced CFTR function and protein expression at the cell surface (PMIDs: 23666117 (2013), 29805046 (2018), 34996830 (2022)). The frequency of this variant in the general population, 0.000032 (4/126666 chromosomes (Genome Aggregation Database)), is uninformative in the assessment of its pathogenicity. Analysis of this variant using bioinformatics tools for the prediction of the effect of amino acid changes on protein structure and function yielded conflicting predictions that this variant is deleterious or benign. Based on the available information, we are unable to determine the clinical significance of this variant.

Genome-Nilou Lab
Classification: Likely pathogenic for Cystic fibrosis. Last evaluated: 2021-07-22. Review status: criteria provided, single submitter. Criteria: ACMG Guidelines, 2015. Collection method: clinical testing. Allele origin: germline. Affected: no.

Baylor Genetics
Classification: Pathogenic for Congenital bilateral aplasia of vas deferens from CFTR mutation; Cystic fibrosis. Review status: criteria provided, single submitter. Criteria: ACMG Guidelines, 2015. Collection method: clinical testing. Allele origin: germline.

Counsyl
Classification: Uncertain significance for Cystic fibrosis. Last evaluated: 2017-12-04. Review status: no assertion criteria provided. Collection method: clinical testing. Allele origin: unknown. Not counted in ClinVar's aggregate classification.

Literature cited by the submitters: PubMed 12900515 (cited by 3 submitters); PubMed 23666117 (cited by 4 submitters); PubMed 29805046 (cited by 5 submitters); PubMed 38388235 (cited by Ambry Genetics and Women's Health and Genetics/Laboratory Corporation of America, LabCorp); PubMed 9272157 (cited by 5 submitters); PubMed 30888834 (cited by 4 submitters); PubMed 17440499 (cited by Women's Health and Genetics/Laboratory Corporation of America, LabCorp); PubMed 10913957 (cited by Women's Health and Genetics/Laboratory Corporation of America, LabCorp and Quest Diagnostics Nichols Institute San Juan Capistrano); PubMed 25735457 (cited by Women's Health and Genetics/Laboratory Corporation of America, LabCorp); PubMed 26708955 (cited by Women's Health and Genetics/Laboratory Corporation of America, LabCorp and Counsyl); PubMed 26471113 (cited by Women's Health and Genetics/Laboratory Corporation of America, LabCorp and Quest Diagnostics Nichols Institute San Juan Capistrano); PubMed 36207272 (cited by Women's Health and Genetics/Laboratory Corporation of America, LabCorp); PubMed 34996830 (cited by Quest Diagnostics Nichols Institute San Juan Capistrano).

NM_000492.4(CFTR):c.794T>G (p.Met265Arg)

Gene: CFTR (CF transmembrane conductance regulator; plus strand). Cytogenetic location: 7q31.2.
Variant type: single nucleotide variant.
Coding change: c.794T>G on transcript NM_000492.4 (MANE Select); coding-DNA position 794, T replaced by G.
Protein change: p.Met265Arg; replaces methionine 265 with arginine.
Molecular consequence: missense variant.
Genome position (GRCh38, 1-based): chr7:117,536,598, T>G. VCF-style: chr7-117536598-T-G. GRCh37 (hg19) VCF-style: chr7-117176652-T-G.
Other names: short protein forms M265R.
Identifiers: ClinVar variation 54058 (VCV000054058.35), dbSNP rs148519623, ClinGen allele CA327651.